The following is an entry in ClinVar:

NM_004304.5(ALK):c.2016A>T (p.Arg672Ser)

Gene: ALK (ALK receptor tyrosine kinase; minus strand). Cytogenetic location: 2p23.2.
Variant type: single nucleotide variant.
Coding change: c.2016A>T on transcript NM_004304.5 (MANE Select); coding-DNA position 2016, A replaced by T.
Protein change: p.Arg672Ser; replaces arginine 672 with serine.
Molecular consequence: missense variant.
Genome position (GRCh38, 1-based): chr2:29,275,124, T>A on the plus strand (A>T on the coding strand, the complement: ALK is on the minus strand). VCF-style: chr2-29275124-T-A. GRCh37 (hg19) VCF-style: chr2-29497990-T-A.
Other names: short protein forms R672S.
Identifiers: ClinVar variation 404376 (VCV000404376.10), dbSNP rs1060500225, ClinGen allele CA16610715.

ClinVar aggregate classification (germline): Conflicting classifications of pathogenicity. Review status: criteria provided, conflicting classifications (1 of 4 stars). 2 submissions from 2 submitters: Uncertain significance (1); Benign (1). Last evaluated 2025-11-24.

Conditions:
Hereditary cancer-predisposing syndrome. Also called: Tumor predisposition; Neoplastic Syndromes, Hereditary; Hereditary Cancer Syndrome; Hereditary neoplastic syndrome. Identifiers: Orphanet 140162, MedGen C0027672, MeSH D009386, MONDO:0015356.
Neuroblastoma, susceptibility to, 3. Also called: ALK-Related Neuroblastic Tumor Susceptibility. Identifiers: Orphanet 635, MedGen C2751681, MONDO:0013083, OMIM 613014.

Allele frequency attached by ClinVar (database versions not stated): gnomAD exomes 0.00001 and 0.00002; TOPMed 0.00004.
gnomAD v4.1: 20 of 1,614,144 alleles (0.0012%); highest among the groups gnomAD compares: East Asian, 0.029%; no homozygotes.

Submissions (2):

Labcorp Genetics (formerly Invitae), Labcorp
Classification: Uncertain significance for Neuroblastoma, susceptibility to, 3. Last evaluated: 2025-11-24. Review status: criteria provided, single submitter. Criteria: Invitae Variant Classification Sherloc (09022015). Collection method: clinical testing. Allele origin: germline.
Comment: This sequence change replaces arginine, which is basic and polar, with serine, which is neutral and polar, at codon 672 of the ALK protein (p.Arg672Ser). This variant is present in population databases (no rsID available, gnomAD 0.02%). This variant has not been reported in the literature in individuals affected with ALK-related conditions. ClinVar contains an entry for this variant (Variation ID: 404376). An algorithm developed to predict the effect of missense changes on protein structure and function (PolyPhen-2) suggests that this variant is likely to be tolerated. In summary, the available evidence is currently insufficient to determine the role of this variant in disease. Therefore, it has been classified as a Variant of Uncertain Significance.

Ambry Genetics
Classification: Benign for Hereditary cancer-predisposing syndrome. Last evaluated: 2024-10-28. Review status: criteria provided, single submitter. Criteria: Ambry Variant Classification Scheme 2023. Collection method: clinical testing. Allele origin: germline.